The following is an entry in ClinVar:

ClinVar aggregate classification (germline): Uncertain significance (1 of 4 stars; one submission).

Submission:

GeneDx
Classification: Uncertain significance. Last evaluated: 2017-07-19. Review status: criteria provided, single submitter. Criteria: GeneDx Variant Classification (06012015). Collection method: clinical testing. Allele origin: germline. Affected: yes.
Comment: The V3696F variant in the DYNC1H1 gene has not been reported previously as a pathogenic variant, nor as a benign variant, to our knowledge. The V3696F variant is not observed in large population cohorts (Lek et al., 2016; 1000 Genomes Consortium et al., 2015; Exome Variant Server). The V3696F variant is a semi-conservative amino acid substitution, which may impact secondary protein structure as these residues differ in some properties. This substitution occurs at a position that is conserved across species, and in silico analysis predicts this variant is probably damaging to the protein structure/function. We interpret V3696F as a variant of uncertain significance.

NM_001376.5(DYNC1H1):c.11086G>T (p.Val3696Phe)

Gene: DYNC1H1 (dynein cytoplasmic 1 heavy chain 1; plus strand). Cytogenetic location: 14q32.31.
Variant type: single nucleotide variant.
Coding change: c.11086G>T on transcript NM_001376.5 (MANE Select); coding-DNA position 11086, G replaced by T.
Protein change: p.Val3696Phe; replaces valine 3696 with phenylalanine.
Molecular consequence: missense variant.
Genome position (GRCh38, 1-based): chr14:102,038,728, G>T. VCF-style: chr14-102038728-G-T. GRCh37 (hg19) VCF-style: chr14-102505065-G-T.
Other names: short protein forms V3696F.
Identifiers: ClinVar variation 450525 (VCV000450525.2), dbSNP rs1555411772, ClinGen allele CA391032349.
Genomic context (GRCh38, chr14:102,038,728, plus strand): 5'-GACAGACTGTTCTGTTACCTATTTTGGCAGGTCGAGTTCCCACCAGATCTCTGTTCCCGG[G>T]TTACTTTTGTAAACTTCACAGTTACCCGTAGCAGTTTACAAAGCCAGTGTCTAAATGAAG-3'
Protein context (NP_001367.2, residues 3686-3706): VEFPPDLCSR[Val3696Phe]TFVNFTVTRS